The following is an entry in ClinVar:

NM_021096.4(CACNA1I):c.887C>T (p.Ser296Phe)

Gene: CACNA1I (calcium voltage-gated channel subunit alpha1 I; plus strand). Cytogenetic location: 22q13.1.
Variant type: single nucleotide variant.
Coding change: c.887C>T on transcript NM_021096.4 (MANE Select); coding-DNA position 887, C replaced by T.
Protein change: p.Ser296Phe; replaces serine 296 with phenylalanine.
Molecular consequence: missense variant.
Genome position (GRCh38, 1-based): chr22:39,641,013, C>T. VCF-style: chr22-39641013-C-T. GRCh37 (hg19) VCF-style: chr22-40037018-C-T.
Other names: c.887C>T, p.Ser296Phe (NM_001003406.2); short protein forms S296F.
Identifiers: ClinVar variation 5018406 (VCV005018406.1).

ClinVar aggregate classification (germline): Uncertain significance (1 of 4 stars; one submission).

Submission:

GeneDx
Classification: Uncertain significance. Last evaluated: 2026-04-10. Review status: criteria provided, single submitter. Criteria: GeneDx Variant Classification Process June 2021. Collection method: clinical testing. Allele origin: germline.
Comment: Not observed at significant frequency in large population cohorts (gnomAD); In silico analysis suggests that this missense variant does not alter protein structure/function; Has not been previously published as pathogenic or benign to our knowledge